The following is an entry in ClinVar:

NM_014423.4(AFF4):c.71G>T (p.Gly24Val)

Gene: AFF4 (ALF transcription elongation factor 4; minus strand). Cytogenetic location: 5q31.1.
Variant type: single nucleotide variant.
Coding change: c.71G>T on transcript NM_014423.4 (MANE Select); coding-DNA position 71, G replaced by T.
Protein change: p.Gly24Val; replaces glycine 24 with valine.
Molecular consequence: missense variant.
Genome position (GRCh38, 1-based): chr5:132,937,119, C>A on the plus strand (G>T on the coding strand, the complement: AFF4 is on the minus strand). VCF-style: chr5-132937119-C-A. GRCh37 (hg19) VCF-style: chr5-132272811-C-A.
Other names: c.71G>T (NM_014423.3); short protein forms G24V.
Identifiers: ClinVar variation 1435575 (VCV001435575.9), dbSNP rs1318550187, ClinGen allele CA360964850.

ClinVar aggregate classification (germline): Uncertain significance. Review status: criteria provided, single submitter (1 of 4 stars). 2 submissions from 2 submitters: Uncertain significance (1). 1 of the submissions does not count toward it. Last evaluated 2024-05-21.

Conditions:
Cognitive impairment - coarse facies - heart defects - obesity - pulmonary involvement - short stature - skeletal dysplasia syndrome. Also called: AFF4-Related CHOPS Syndrome; COGNITIVE IMPAIRMENT, COARSE FACIES, HEART DEFECTS, OBESITY, PULMONARY INVOLVEMENT, SHORT STATURE, AND SKELETAL DYSPLASIA; Chops syndrome. Identifiers: Orphanet 444077, MedGen C4085597, MONDO:0014609, OMIM 616368.
AFF4-related disorder. Also called: AFF4-related condition.

Allele frequency attached by ClinVar (database versions not stated): gnomAD exomes below 0.00001; TOPMed 0.00001; gnomAD 0.00002.
gnomAD v4.1: 4 of 1,613,850 alleles (0.00025%); highest among the groups gnomAD compares: African/African-American, 0.0053%; no homozygotes.

Submissions (2):

Labcorp Genetics (formerly Invitae), Labcorp
Classification: Uncertain significance for Cognitive impairment - coarse facies - heart defects - obesity - pulmonary involvement - short stature - skeletal dysplasia syndrome. Last evaluated: 2024-05-21. Review status: criteria provided, single submitter. Criteria: Invitae Variant Classification Sherloc (09022015). Collection method: clinical testing. Allele origin: germline.
Comment: This sequence change replaces glycine, which is neutral and non-polar, with valine, which is neutral and non-polar, at codon 24 of the AFF4 protein (p.Gly24Val). This variant is present in population databases (no rsID available, gnomAD 0.007%). This variant has not been reported in the literature in individuals affected with AFF4-related conditions. ClinVar contains an entry for this variant (Variation ID: 1435575). Advanced modeling of protein sequence and biophysical properties (such as structural, functional, and spatial information, amino acid conservation, physicochemical variation, residue mobility, and thermodynamic stability) performed at Invitae indicates that this missense variant is not expected to disrupt AFF4 protein function with a negative predictive value of 80%. In summary, the available evidence is currently insufficient to determine the role of this variant in disease. Therefore, it has been classified as a Variant of Uncertain Significance.

PreventionGenetics, part of Exact Sciences
Classification: Uncertain significance for AFF4-related condition. Last evaluated: 2024-05-18. Review status: no assertion criteria provided. Collection method: clinical testing. Allele origin: germline. Not counted in ClinVar's aggregate classification.
Comment: The AFF4 c.71G>T variant is predicted to result in the amino acid substitution p.Gly24Val. To our knowledge, this variant has not been reported in the literature. This variant is reported in 0.0062% of alleles in individuals of African descent in gnomAD. At this time, the clinical significance of this variant is uncertain due to the absence of conclusive functional and genetic evidence.